The following is an entry in ClinVar:

ClinVar aggregate classification (germline): Uncertain significance (1 of 4 stars; one submission).

Conditions:
Global developmental delay with or without impaired intellectual development. Identifiers: MedGen C5193032, MONDO:0032680, OMIM 618330.

Submission:

Institute of Human Genetics, University of Leipzig Medical Center
Classification: Uncertain significance for Global developmental delay with or without impaired intellectual development. Last evaluated: 2022-12-19. Review status: criteria provided, single submitter. Criteria: ACMG Guidelines, 2015. Collection method: clinical testing. Allele origin: de novo. Affected: yes.
Comment: Criteria applied: PVS1_Moderate, PS2_Moderate, PM2_Supporting

NM_181552.4(CUX1):c.4407_4415del (p.Ser1471_Asp1473del)

Gene: CUX1 (cut like homeobox 1; plus strand). Cytogenetic location: 7q22.1.
Variant type: Deletion.
Coding change: c.4407_4415del on transcript NM_181552.4 (MANE Select); coding-DNA positions 4407 to 4415, 9 bases deleted (GGACTCGCG; older notation c.4407_4415delGGACTCGCG).
Protein change: p.Ser1471_Asp1473del.
Molecular consequence: inframe deletion. On other transcripts: intron variant (5).
Genome position (GRCh38, 1-based): chr7:102,248,931-102,248,939, GGACTCGCG deleted; deleting any 9 consecutive bases within chr7:102,248,929-102,248,939 gives the same sequence; the c. name uses the placement nearest the transcript's 3' end. VCF-style (leftmost placement, unchanged base first): chr7-102248928-CCGGGACTCG-C. GRCh37 (hg19) VCF-style: chr7-101892208-CCGGGACTCG-C.
Other names: c.4440_4448del, p.Ser1482_Asp1484del (NM_001202543.2); c.1256-24435_1256-24427del (NM_001913.5); c.1250-24435_1250-24427del (NM_181500.4); c.1118-24435_1118-24427del (NM_001202545.3); c.1208-24435_1208-24427del (NM_001202544.3); c.1139-24435_1139-24427del (NM_001202546.3).
Identifiers: ClinVar variation 1803937 (VCV001803937.1), dbSNP rs2486390712, ClinGen allele CA2580076042.